The following is an entry in ClinVar:

NM_148919.4(PSMB8):c.145C>A (p.Gln49Lys)

Gene: PSMB8 (proteasome 20S subunit beta 8; minus strand). Cytogenetic location: 6p21.32.
Variant type: single nucleotide variant.
Coding change: c.145C>A on transcript NM_148919.4 (MANE Select); coding-DNA position 145, C replaced by A.
Protein change: p.Gln49Lys; replaces glutamine 49 with lysine.
Molecular consequence: missense variant. On other transcripts: intron variant (1).
Genome position (GRCh38, 1-based): chr6:32,843,852, G>T on the plus strand (C>A on the coding strand, the complement: PSMB8 is on the minus strand). VCF-style: chr6-32843852-G-T. GRCh37 (hg19) VCF-style: chr6-32811629-G-T.
Other names: c.135+427C>A (NM_004159.5); short protein forms Q49K.
Identifiers: ClinVar variation 356368 (VCV000356368.27), dbSNP rs2071543, ClinGen allele CA3746493.

ClinVar aggregate classification (germline): Benign/Likely benign. Review status: criteria provided, multiple submitters, no conflicts (2 of 4 stars). 9 submissions from 9 submitters: Benign (7); Likely benign (2). Last evaluated 2026-02-04.

Conditions:
Proteosome-associated autoinflammatory syndrome. Also called: Proteasome-associated autoinflammatory syndrome. Identifiers: Orphanet 324977, MedGen C1850568, MONDO:0009726.
Autoinflammatory syndrome. Identifiers: Orphanet 93665, MedGen C3890737, MONDO:0019751.
Proteasome-associated autoinflammatory syndrome 1 (PRAAS1). Also called: JOINT CONTRACTURES, MUSCULAR ATROPHY, MICROCYTIC ANEMIA, AND PANNICULITIS-INDUCED LIPODYSTROPHY; JMP SYNDROME; AUTOINFLAMMATION, LIPODYSTROPHY, AND DERMATOSIS SYNDROME; NAKAJO-NISHIMURA SYNDROME; CHRONIC ATYPICAL NEUTROPHILIC DERMATOSIS WITH LIPODYSTROPHY AND ELEVATED TEMPERATURE SYNDROME; Nakajo syndrome. Identifiers: Orphanet 2615, Orphanet 324977, Orphanet 324999, Orphanet 325004, MedGen C4746851, MONDO:0054698, OMIM 256040.

Allele frequency attached by ClinVar (database versions not stated): gnomAD 0.12521 and 0.12793; ESP Exome Variant Server 0.12710; TOPMed 0.12938; gnomAD exomes 0.13336 and 0.14379; ExAC 0.14531; 1000 Genomes Project 0.15196; 1000 Genomes Project 30x 0.15303.

Submissions (9):

Labcorp Genetics (formerly Invitae), Labcorp
Classification: Benign for Proteosome-associated autoinflammatory syndrome. Last evaluated: 2026-02-04. Review status: criteria provided, single submitter. Criteria: Invitae Variant Classification Sherloc (09022015). Collection method: clinical testing. Allele origin: germline.

Women's Health and Genetics/Laboratory Corporation of America, LabCorp
Classification: Likely benign. Last evaluated: 2026-01-21. Review status: criteria provided, single submitter. Criteria: LabCorp Variant Classification Summary - May 2015. Collection method: clinical testing. Allele origin: germline.

Blueprint Genetics
Classification: Likely benign. Last evaluated: 2024-11-26. Review status: criteria provided, single submitter. Criteria: ACMG Guidelines, 2015. Collection method: clinical testing. Allele origin: germline.

Unidad de Genómica Garrahan, Hospital de Pediatría Garrahan
Classification: Benign. Last evaluated: 2023-11-14. Review status: criteria provided, single submitter. Criteria: ACMG Guidelines, 2015. Collection method: clinical testing. Allele origin: germline. Affected: no. Observed: 22 variant alleles.
Comment: This variant is classified as Benign based on local population frequency. This variant was detected in 23% of patients studied by a panel of primary immunodeficiencies. Number of patients: 22. Only high quality variants are reported.

Genome Diagnostics Laboratory, The Hospital for Sick Children
Classification: Benign for Autoinflammatory syndrome. Last evaluated: 2022-01-14. Review status: criteria provided, single submitter. Criteria: ACMG Guidelines, 2015. Collection method: clinical testing. Allele origin: germline. Affected: yes.

GeneDx
Classification: Benign. Last evaluated: 2018-11-12. Review status: criteria provided, single submitter. Criteria: GeneDx Variant Classification Process June 2021. Collection method: clinical testing. Allele origin: germline. Affected: yes.
Comment: This variant is associated with the following publications: (PMID: 11669176, 21303409, 17366619, 22037870)

Mayo Clinic Laboratories, Mayo Clinic
Classification: Benign. Last evaluated: 2018-04-11. Review status: criteria provided, single submitter. Criteria: ACMG Guidelines, 2015. Collection method: clinical testing. Allele origin: germline. Observed: 235 variant alleles.

Illumina Laboratory Services, Illumina
Classification: Benign for Proteasome-associated autoinflammatory syndrome 1. Last evaluated: 2018-03-06. Review status: criteria provided, single submitter. Criteria: ICSL Variant Classification Criteria 13 December 2019. Collection method: clinical testing. Allele origin: germline.
Comment: This variant was observed in the ICSL laboratory as part of a predisposition screen in an ostensibly healthy population. It had not been previously curated by ICSL or reported in the Human Gene Mutation Database (HGMD: prior to June 1st, 2018), and was therefore a candidate for classification through an automated scoring system. Utilizing variant allele frequency, disease prevalence and penetrance estimates, and inheritance mode, an automated score was calculated to assess if this variant is too frequent to cause the disease. Based on the score and internal cut-off values, a variant classified as benign is not then subjected to further curation. The score for this variant resulted in a classification of benign for this disease.

Laboratory for Molecular Medicine, Mass General Brigham Personalized Medicine
Classification: Benign. Last evaluated: 2016-03-29. Review status: criteria provided, single submitter. Criteria: LMM Criteria. Collection method: clinical testing. Allele origin: germline.
Comment: Variant identified in a genome or exome case(s) and assessed due to predicted null impact of the variant or pathogenic assertions in the literature or databases. Disclaimer: This variant has not undergone full assessment. The following are preliminary notes: Frequency